The following is an entry in ClinVar:

ClinVar aggregate classification (germline): Uncertain significance. Review status: criteria provided, multiple submitters, no conflicts (2 of 4 stars). 5 submissions from 5 submitters: Uncertain significance (4). 1 of the submissions does not count toward it. Last evaluated 2025-12-10.

Conditions:
RPGRIP1L-related disorder. Also called: RPGRIP1L-related condition; RPGRIP1L-related disorders. Identifiers: MedGen CN239416.
Meckel-Gruber syndrome. Also called: GRUBER SYNDROME; Dysencephalia splachnocystica; DYSENCEPHALIA SPLANCHNOCYSTICA. Identifiers: Orphanet 564, MedGen C0265215, MONDO:0018921.
Joubert syndrome. Also called: Familial aplasia of the vermis; JOUBERT-BOLTSHAUSER SYNDROME. Identifiers: Orphanet 475, MedGen C5979921, MONDO:0018772.
Joubert syndrome 7 (JBTS7). Identifiers: Orphanet 220497, MedGen C1969053, MONDO:0012694, OMIM 611560.
Meckel syndrome, type 5 (MKS5). Identifiers: Orphanet 564, MedGen C1969052, MONDO:0012695, OMIM 611561.
COACH syndrome 3. Identifiers: MedGen C5436841, MONDO:0030862, OMIM 619113.

Allele frequency attached by ClinVar (database versions not stated): gnomAD 0.00001; ExAC 0.00002; TOPMed 0.00002.

Submissions (5):

PreventionGenetics, part of Exact Sciences
Classification: Uncertain significance for RPGRIP1L-related condition. Last evaluated: 2025-12-10. Review status: criteria provided, single submitter. Criteria: ACMG Guidelines, 2015. Collection method: clinical testing. Allele origin: germline.
Comment: The RPGRIP1L c.205C>T variant is predicted to result in the amino acid substitution p.Arg69Cys. To our knowledge, this variant has not been reported in the literature. This variant is reported in 0.0077% of alleles in individuals of European (Non-Finnish) descent in gnomAD. At this time, the clinical significance of this variant is uncertain due to the absence of conclusive functional and genetic evidence.

Labcorp Genetics (formerly Invitae), Labcorp
Classification: Uncertain significance for Joubert syndrome; Meckel-Gruber syndrome. Last evaluated: 2022-06-13. Review status: criteria provided, single submitter. Criteria: Invitae Variant Classification Sherloc (09022015). Collection method: clinical testing. Allele origin: germline.
Comment: This sequence change replaces arginine, which is basic and polar, with cysteine, which is neutral and slightly polar, at codon 69 of the RPGRIP1L protein (p.Arg69Cys). This variant is present in population databases (rs775007896, gnomAD 0.008%). This variant has not been reported in the literature in individuals affected with RPGRIP1L-related conditions. ClinVar contains an entry for this variant (Variation ID: 992047). Algorithms developed to predict the effect of missense changes on protein structure and function output the following: SIFT: "Tolerated"; PolyPhen-2: "Benign"; Align-GVGD: "Class C0". The cysteine amino acid residue is found in multiple mammalian species, which suggests that this missense change does not adversely affect protein function. In summary, the available evidence is currently insufficient to determine the role of this variant in disease. Therefore, it has been classified as a Variant of Uncertain Significance.

Fulgent Genetics
Classification: Uncertain significance for Joubert syndrome 7; Meckel syndrome, type 5; COACH syndrome 3. Last evaluated: 2021-12-21. Review status: criteria provided, single submitter. Criteria: ACMG Guidelines, 2015. Collection method: clinical testing. Allele origin: unknown.

GeneDx
Classification: Uncertain significance. Last evaluated: 2019-07-18. Review status: criteria provided, single submitter. Criteria: GeneDx Variant Classification Process June 2021. Collection method: clinical testing. Allele origin: germline. Affected: yes.
Comment: In silico analysis, which includes protein predictors and evolutionary conservation, supports a deleterious effect; Has not been previously published as a germline pathogenic or benign variant to our knowledge; This variant is associated with the following publications: (PMID: 22810696)

Natera, Inc.
Classification: Uncertain significance for Joubert syndrome. Last evaluated: 2020-08-24. Review status: no assertion criteria provided. Collection method: clinical testing. Allele origin: germline. Not counted in ClinVar's aggregate classification.

NM_015272.5(RPGRIP1L):c.205C>T (p.Arg69Cys)

Gene: RPGRIP1L (RPGRIP1 like; minus strand). Cytogenetic location: 16q12.2.
Variant type: single nucleotide variant.
Coding change: c.205C>T on transcript NM_015272.5 (MANE Select); coding-DNA position 205, C replaced by T.
Protein change: p.Arg69Cys; replaces arginine 69 with cysteine.
Molecular consequence: missense variant.
Genome position (GRCh38, 1-based): chr16:53,696,176, G>A on the plus strand (C>T on the coding strand, the complement: RPGRIP1L is on the minus strand). VCF-style: chr16-53696176-G-A. GRCh37 (hg19) VCF-style: chr16-53730088-G-A.
Other names: c.205C>T, p.Arg69Cys (NM_001127897.4, NM_001308334.3, NM_001328422.2 and 2 more transcripts); c.205C>T (NM_015272.4); short protein forms R69C.
Identifiers: ClinVar variation 992047 (VCV000992047.11), dbSNP rs775007896, ClinGen allele CA8058189.
Genomic context (GRCh38, chr16:53,696,176, plus strand): 5'-GTCAAGAAAAAAAGCTAAAAGCTTTTTATCATAACCTTTTAATTTTATCCTCCTGCTTGC[G>A]GGCATGCTGTTTAAGTAAAATGTTCTCATCATGCAAACGCAAAAATCTGTCTTCCAGTTC-3'
Protein context (NP_056087.2, residues 59-79): DENILLKQHA[Arg69Cys]KQEDKIKRMA